The following is an entry in ClinVar:

ClinVar aggregate classification (germline): Uncertain significance. Review status: criteria provided, multiple submitters, no conflicts (2 of 4 stars). 2 submissions from 2 submitters: Uncertain significance (2). Last evaluated 2024-11-18.

Conditions:
Nephronophthisis. Also called: Juvenile Nephronophthisis. Identifiers: Orphanet 655, MedGen C0687120, MONDO:0019005, HP:0000090.

Allele frequency attached by ClinVar (database versions not stated): TOPMed below 0.00001; gnomAD 0.00001; gnomAD exomes 0.00004 and 0.00008; ExAC 0.00010; 1000 Genomes Project 30x 0.00016; 1000 Genomes Project 0.00020.
gnomAD v4.1: 60 of 1,614,120 alleles (0.0037%); highest among the groups gnomAD compares: Middle Eastern, 0.084%; 1 homozygote.

Submissions (2):

Labcorp Genetics (formerly Invitae), Labcorp
Classification: Uncertain significance for Nephronophthisis. Last evaluated: 2024-11-18. Review status: criteria provided, single submitter. Criteria: Invitae Variant Classification Sherloc (09022015). Collection method: clinical testing. Allele origin: germline.
Comment: This sequence change replaces asparagine, which is neutral and polar, with serine, which is neutral and polar, at codon 273 of the NPHP3 protein (p.Asn273Ser). This variant is present in population databases (rs538520481, gnomAD 0.06%). This variant has not been reported in the literature in individuals affected with NPHP3-related conditions. ClinVar contains an entry for this variant (Variation ID: 944015). Invitae Evidence Modeling of protein sequence and biophysical properties (such as structural, functional, and spatial information, amino acid conservation, physicochemical variation, residue mobility, and thermodynamic stability) indicates that this missense variant is not expected to disrupt NPHP3 protein function with a negative predictive value of 80%. Algorithms developed to predict the effect of sequence changes on RNA splicing suggest that this variant may create or strengthen a splice site. In summary, the available evidence is currently insufficient to determine the role of this variant in disease. Therefore, it has been classified as a Variant of Uncertain Significance.

Blueprint Genetics
Classification: Uncertain significance. Last evaluated: 2024-10-11. Review status: criteria provided, single submitter. Criteria: ACMG Guidelines, 2015. Collection method: clinical testing. Allele origin: germline.

NM_153240.5(NPHP3):c.818A>G (p.Asn273Ser)

Genes: NPHP3 (nephrocystin 3; minus strand), NPHP3-ACAD11 (NPHP3-ACAD11 readthrough (NMD candidate); minus strand). Cytogenetic location: 3q22.1.
Variant type: single nucleotide variant.
Coding change: c.818A>G on transcript NM_153240.5 (MANE Select); coding-DNA position 818, A replaced by G.
Protein change: p.Asn273Ser; replaces asparagine 273 with serine.
Molecular consequence: missense variant. On other transcripts: non-coding transcript variant (1).
Genome position (GRCh38, 1-based): chr3:132,716,762, T>C on the plus strand (A>G on the coding strand, the complement: NPHP3 is on the minus strand). VCF-style: chr3-132716762-T-C. GRCh37 (hg19) VCF-style: chr3-132435606-T-C.
Other names: short protein forms N273S.
Identifiers: ClinVar variation 944015 (VCV000944015.11), dbSNP rs538520481, ClinGen allele CA2622498.